The following is an entry in ClinVar:

NM_001025603.2(RFX5):c.1250T>C (p.Val417Ala)

Gene: RFX5 (regulatory factor X5; minus strand). Cytogenetic location: 1q21.3.
Variant type: single nucleotide variant.
Coding change: c.1250T>C on transcript NM_001025603.2 (MANE Select); coding-DNA position 1250, T replaced by C.
Protein change: p.Val417Ala; replaces valine 417 with alanine.
Molecular consequence: missense variant.
Genome position (GRCh38, 1-based): chr1:151,342,787, A>G on the plus strand (T>C on the coding strand, the complement: RFX5 is on the minus strand). VCF-style: chr1-151342787-A-G. GRCh37 (hg19) VCF-style: chr1-151315263-A-G.
Other names: c.1250T>C, p.Val417Ala (NM_000449.4, NM_001379412.1, NM_001379413.1 and 5 more transcripts); c.1130T>C, p.Val377Ala (NM_001379419.1, NM_001379420.1); short protein forms V377A, V417A.
Identifiers: ClinVar variation 947939 (VCV000947939.7), dbSNP rs1650585242, ClinGen allele CA341928182.

ClinVar aggregate classification (germline): Uncertain significance (1 of 4 stars; one submission).

Conditions:
MHC class II deficiency. Also called: Bare lymphocyte syndrome 2; BLS, TYPE II. Identifiers: Orphanet 572, MedGen C5447452, MONDO:0008855.

gnomAD v4.1: 2 of 1,613,856 alleles (0.00012%); no homozygotes.

Submission:

Labcorp Genetics (formerly Invitae), Labcorp
Classification: Uncertain significance for MHC class II deficiency. Last evaluated: 2019-05-18. Review status: criteria provided, single submitter. Criteria: Invitae Variant Classification Sherloc (09022015). Collection method: clinical testing. Allele origin: germline.
Comment: This variant is not present in population databases (ExAC no frequency). This sequence change replaces valine with alanine at codon 417 of the RFX5 protein (p.Val417Ala). The valine residue is weakly conserved and there is a small physicochemical difference between valine and alanine. This variant has not been reported in the literature in individuals with RFX5-related conditions. In summary, the available evidence is currently insufficient to determine the role of this variant in disease. Therefore, it has been classified as a Variant of Uncertain Significance. Algorithms developed to predict the effect of missense changes on protein structure and function output the following: SIFT: "Tolerated"; PolyPhen-2: "Benign"; Align-GVGD: "Class C0". The alanine amino acid residue is found in multiple mammalian species, suggesting that this missense change does not adversely affect protein function. These predictions have not been confirmed by published functional studies and their clinical significance is uncertain.